The following is an entry in ClinVar:

NM_001042492.3(NF1):c.4541_4544del (p.Asn1514fs)

Gene: NF1 (neurofibromin 1; plus strand). Cytogenetic location: 17q11.2.
Variant type: Deletion.
Coding change: c.4541_4544del on transcript NM_001042492.3 (MANE Select); coding-DNA positions 4541 to 4544, 4 bases deleted (ATCA; older notation c.4541_4544delATCA).
Protein change: p.Asn1514fs; shifts the reading frame from asparagine 1514.
Molecular consequence: frameshift variant.
Genome position (GRCh38, 1-based): chr17:31,260,479-31,260,482, ATCA deleted; deleting any 4 consecutive bases within chr17:31,260,477-31,260,482 gives the same sequence; the c. name uses the placement nearest the transcript's 3' end. VCF-style (leftmost placement, unchanged base first): chr17-31260476-ACAAT-A. GRCh37 (hg19) VCF-style: chr17-29587494-ACAAT-A.
Other names: c.4478_4481delATCA, p.Asn1493Argfs (NM_000267.4); short protein forms N1493fs, N1514fs.
Identifiers: ClinVar variation 2099311 (VCV002099311.5), dbSNP rs2508421776, ClinGen allele CA2580093256.

ClinVar aggregate classification (germline): Pathogenic/Likely pathogenic. Review status: criteria provided, multiple submitters, no conflicts (2 of 4 stars). 2 submissions from 2 submitters: Pathogenic (1); Likely pathogenic (1). Last evaluated 2024-02-19.

Conditions:
Neurofibromatosis, type 1 (NF1). Also called: Neurofibromatosis, type I; Peripheral type neurofibromatosis; VON RECKLINGHAUSEN DISEASE; NEUROFIBROMATOSIS, TYPE I, SOMATIC. Identifiers: Orphanet 636, MedGen C0027831, MONDO:0018975, OMIM 162200. Disease mechanism: loss of function.
NF1-related disorder. Also called: NF1-related condition. Identifiers: MedGen CN379171.

Submissions (2):

Blueprint Genetics
Classification: Likely pathogenic for NF1-related disorders. Last evaluated: 2024-02-19. Review status: criteria provided, single submitter. Criteria: ACMG Guidelines, 2015. Collection method: clinical testing. Allele origin: germline. Affected: yes. Observed: 1 variant allele.

Labcorp Genetics (formerly Invitae), Labcorp
Classification: Pathogenic for Neurofibromatosis, type 1. Last evaluated: 2022-02-19. Review status: criteria provided, single submitter. Criteria: Invitae Variant Classification Sherloc (09022015). Collection method: clinical testing. Allele origin: germline.
Comment: For these reasons, this variant has been classified as Pathogenic. This variant has not been reported in the literature in individuals affected with NF1-related conditions. This variant is not present in population databases (gnomAD no frequency). This sequence change creates a premature translational stop signal (p.Asn1493Argfs*59) in the NF1 gene. It is expected to result in an absent or disrupted protein product. Loss-of-function variants in NF1 are known to be pathogenic (PMID: 10712197, 23913538).

Literature cited by the submitters: PubMed 10712197 (cited by Labcorp Genetics (formerly Invitae), Labcorp); PubMed 23913538 (cited by Labcorp Genetics (formerly Invitae), Labcorp).